The following is an entry in ClinVar:

NM_031310.3(PLVAP):c.356dup (p.Cys119fs)

Gene: PLVAP (plasmalemma vesicle associated protein; minus strand). Cytogenetic location: 19p13.11.
Variant type: Duplication.
Coding change: c.356dup on transcript NM_031310.3 (MANE Select); coding-DNA position 356, one base duplicated (G; older notation c.356dupG).
Protein change: p.Cys119fs; shifts the reading frame from cysteine 119.
Molecular consequence: frameshift variant.
Genome position (GRCh38, 1-based): chr19:17,376,933, C duplicated on the plus strand (G on the coding strand, the reverse complement: PLVAP is on the minus strand). VCF-style (leftmost placement, unchanged base first): chr19-17376932-G-GC. GRCh37 (hg19) VCF-style: chr19-17487741-G-GC.
Other names: short protein forms C119fs.
Identifiers: ClinVar variation 3662878 (VCV003662878.2).

ClinVar aggregate classification (germline): Pathogenic (1 of 4 stars; one submission).

Submission:

Labcorp Genetics (formerly Invitae), Labcorp
Classification: Pathogenic. Last evaluated: 2024-09-03. Review status: criteria provided, single submitter. Criteria: Invitae Variant Classification Sherloc (09022015). Collection method: clinical testing. Allele origin: germline.
Comment: This sequence change creates a premature translational stop signal (p.Cys119Trpfs*4) in the PLVAP gene. It is expected to result in an absent or disrupted protein product. Loss-of-function variants in PLVAP are known to be pathogenic (PMID: 26207260, 29661969). This variant is not present in population databases (gnomAD no frequency). This variant has not been reported in the literature in individuals affected with PLVAP-related conditions. For these reasons, this variant has been classified as Pathogenic.

Literature cited by the submitters: PubMed 26207260; PubMed 29661969.